The following is an entry in ClinVar:

NM_153704.6(TMEM67):c.1131+79A>G

Gene: TMEM67 (transmembrane protein 67; plus strand). Cytogenetic location: 8q22.1.
Variant type: single nucleotide variant.
Coding change: c.1131+79A>G on transcript NM_153704.6 (MANE Select); 79 bases into the intron after coding-DNA position 1131, A replaced by G.
Molecular consequence: intron variant.
Genome position (GRCh38, 1-based): chr8:93,782,539, A>G. VCF-style: chr8-93782539-A-G. GRCh37 (hg19) VCF-style: chr8-94794767-A-G.
Other names: c.888+79A>G (NM_001142301.1).
Identifiers: ClinVar variation 675902 (VCV000675902.2), dbSNP rs189940512, ClinGen allele CA181328623.

ClinVar aggregate classification (germline): Likely benign. Review status: criteria provided, multiple submitters, no conflicts (2 of 4 stars). 2 submissions from 2 submitters: Likely benign (2). Last evaluated 2018-06-14.

Allele frequency attached by ClinVar (database versions not stated): 1000 Genomes Project 30x 0.00640; 1000 Genomes Project 0.00679; TOPMed 0.01227; gnomAD 0.01396 and 0.01411; gnomAD exomes 0.01584.
gnomAD v4.1: 17,081 of 1,098,190 alleles (1.6%); highest among the groups gnomAD compares: Non-Finnish European, 1.8%; 207 homozygotes.

Submissions (2):

GeneDx
Classification: Likely benign. Last evaluated: 2018-06-14. Review status: criteria provided, single submitter. Criteria: GeneDx Variant Classification (06012015). Collection method: clinical testing. Allele origin: germline. Affected: yes.
Comment: This variant is considered likely benign or benign based on one or more of the following criteria: it is a conservative change, it occurs at a poorly conserved position in the protein, it is predicted to be benign by multiple in silico algorithms, and/or has population frequency not consistent with disease.

Breakthrough Genomics
Classification: Likely benign. Review status: criteria provided, single submitter. Criteria: ACMG Guidelines, 2015. Collection method: not provided. Allele origin: germline. Inheritance: Autosomal recessive inheritance. Affected: yes.